The following is an entry in ClinVar:

ClinVar aggregate classification (germline): Likely pathogenic (1 of 4 stars; one submission).

Conditions:
Intellectual developmental disorder, autosomal recessive 45. Also called: Intellectual disability, autosomal recessive 45. Identifiers: Orphanet 88616, MedGen C4014864, MONDO:0014430, OMIM 615979.

Submission:

Victorian Clinical Genetics Services, Murdoch Childrens Research Institute
Classification: Likely pathogenic for Intellectual developmental disorder, autosomal recessive 45. Last evaluated: 2024-10-09. Review status: criteria provided, single submitter. Criteria: ACMG Guidelines, 2015. Collection method: clinical testing. Allele origin: germline. Inheritance: Autosomal recessive inheritance. Affected: yes.
Comment: Based on the classification scheme VCGS_Germline_v1.3.4, this variant is classified as Likely pathogenic. Following criteria are met: 0102 - Loss of function is a known mechanism of disease in this gene and is associated with autosomal recessive intellectual developmental disorder 45 (MIM#615979), which has been reported in three families (OMIM, Personal communication, PMID: 35019165, 24623382). Gain of function is postulated as a mechanism of disease in this gene with the missense variant p.(Asp334Asn) reported in three unrelated individuals with cerebral palsy (MONDO#0006497), FBXO31-related (PMID: 32989326, 33675180). (I) 0108 - This gene is associated with both recessive and dominant disease (OMIM, PMID: 32989326, PMID: 33675180). (I) 0211 - Canonical splice site variant without proven consequence on splicing (no functional evidence available). (SP) 0252 - This variant is homozygous. (I) 0301 - Variant is absent from gnomAD (both v2 and v3). (SP) 0505 - Abnormal splicing is predicted by in silico tools and affected nucleotide is highly conserved. (SP) 0705 - No comparable splice site variants have previous evidence for pathogenicity. (I) 0807 - This variant has no previous evidence of pathogenicity. (I) 0903 - This variant has limited evidence for segregation with disease. (SP) 1007 - No published functional evidence has been identified for this variant. (I) Legend: (SP) - Supporting pathogenic, (I) - Information, (SB) - Supporting benign

Literature cited by the submitters: PubMed 24623382; PubMed 32989326; PubMed 33675180; PubMed 35019165.

NM_024735.5(FBXO31):c.842+1G>A

Gene: FBXO31 (F-box protein 31; minus strand). Cytogenetic location: 16q24.2.
Variant type: single nucleotide variant.
Coding change: c.842+1G>A on transcript NM_024735.5 (MANE Select); the canonical splice donor site of the intron after coding-DNA position 842, G replaced by A.
Molecular consequence: splice donor variant.
Genome position (GRCh38, 1-based): chr16:87,336,154, C>T on the plus strand (G>A on the coding strand, the complement: FBXO31 is on the minus strand). VCF-style: chr16-87336154-C-T. GRCh37 (hg19) VCF-style: chr16-87369760-C-T.
Other names: c.326+1G>A (NM_001282683.2).
Identifiers: ClinVar variation 3376842 (VCV003376842.1).